The following is an entry in ClinVar:

NM_005666.4(CFHR2):c.325A>G (p.Thr109Ala)

Gene: CFHR2 (complement factor H related 2; plus strand). Cytogenetic location: 1q31.3.
Variant type: single nucleotide variant.
Coding change: c.325A>G on transcript NM_005666.4 (MANE Select); coding-DNA position 325, A replaced by G.
Protein change: p.Thr109Ala; replaces threonine 109 with alanine.
Molecular consequence: missense variant. On other transcripts: intron variant (1).
Genome position (GRCh38, 1-based): chr1:196,950,923, A>G. VCF-style: chr1-196950923-A-G. GRCh37 (hg19) VCF-style: chr1-196920053-A-G.
Other names: p.Thr109Ala; c.59-6968A>G (NM_001312672.1); short protein forms T109A.
Identifiers: ClinVar variation 708283 (VCV000708283.33), dbSNP rs145405649, ClinGen allele CA1307402.

ClinVar aggregate classification (germline): Benign/Likely benign. Review status: criteria provided, multiple submitters, no conflicts (2 of 4 stars). 6 submissions from 6 submitters: Benign (2); Likely benign (4). Last evaluated 2026-01-28.

Conditions:
Kidney disorder. Also called: Nephropathy; renal disorder; Kidney Diseases; Kidney disease; renal disease. Identifiers: MedGen C0022658, MONDO:0005240, HP:0000112.

Allele frequency attached by ClinVar (database versions not stated): ESP Exome Variant Server 0.00531; 1000 Genomes Project 30x 0.00312; 1000 Genomes Project 0.00319; TOPMed 0.00454; gnomAD 0.00561 and 0.00571; gnomAD exomes 0.00567; ExAC 0.00594.
gnomAD v4.1: 11,063 of 1,614,062 alleles (0.69%); highest among the groups gnomAD compares: Non-Finnish European, 0.79%; 48 homozygotes.

Submissions (6):

Women's Health and Genetics/Laboratory Corporation of America, LabCorp
Classification: Likely benign. Last evaluated: 2026-01-28. Review status: criteria provided, single submitter. Criteria: LabCorp Variant Classification Summary - May 2015. Collection method: clinical testing. Allele origin: germline.
Comment: Variant summary: CFHR2 c.325A>G (p.Thr109Ala) results in a non-conservative amino acid change in the encoded protein sequence. Algorithms developed to predict the effect of missense changes on protein structure and function are either unavailable or do not agree on the potential impact of this missense change. The variant allele was found at a frequency of 0.0057 in 251212 control chromosomes, predominantly at a frequency of 0.0079 within the Non-Finnish European subpopulation in the gnomAD database, including 2 homozygotes. The observed variant frequency within Non-Finnish European control individuals in the gnomAD database exceeds the estimated maximal expected allele frequency for disease-causing variants in CFHR2. To our knowledge, no occurrence of c.325A>G in individuals affected with CFHR2-related conditions and no experimental evidence demonstrating its impact on protein function have been reported. ClinVar contains an entry for this variant (Variation ID: 708283). Based on the evidence outlined above, the variant was classified as likely benign.

Mayo Clinic Laboratories, Mayo Clinic
Classification: Likely benign. Last evaluated: 2025-07-22. Review status: criteria provided, single submitter. Criteria: ACMG Guidelines, 2015. Collection method: clinical testing. Allele origin: germline. Observed: 35 variant alleles.
Comment: BS2, BP1, BP4

CeGaT Center for Human Genetics Tuebingen
Classification: Likely benign. Last evaluated: 2024-12-01. Review status: criteria provided, single submitter. Criteria: CeGaT Center For Human Genetics Tuebingen Variant Classification Criteria Version 2. Collection method: clinical testing. Allele origin: germline. Affected: yes. Observed: 3 variant alleles.
Comment: CFHR2: BP4, BS2

Genome Diagnostics Laboratory, The Hospital for Sick Children
Classification: Likely benign for Kidney disorder. Last evaluated: 2022-01-07. Review status: criteria provided, single submitter. Criteria: ACMG Guidelines, 2015. Collection method: clinical testing. Allele origin: germline.

Labcorp Genetics (formerly Invitae), Labcorp
Classification: Benign. Last evaluated: 2019-12-31. Review status: criteria provided, single submitter. Criteria: Invitae Variant Classification Sherloc (09022015). Collection method: clinical testing. Allele origin: germline.

Breakthrough Genomics
Classification: Benign. Review status: criteria provided, single submitter. Criteria: ACMG Guidelines, 2015. Collection method: not provided. Allele origin: germline. Inheritance: Unknown mechanism. Affected: yes.

Literature cited by the submitters: PubMed 36845135 (cited by Mayo Clinic Laboratories, Mayo Clinic).